The following is an entry in ClinVar:

ClinVar aggregate classification (germline): Likely benign (1 of 4 stars; one submission).

Conditions:
SH2B1-related disorder. Also called: SH2B1-related condition.

gnomAD v4.1: 4 of 1,614,038 alleles (0.00025%); highest among the groups gnomAD compares: East Asian, 0.0022%; no homozygotes.

Submission:

PreventionGenetics, part of Exact Sciences
Classification: Likely benign for SH2B1-related condition. Last evaluated: 2024-12-18. Review status: criteria provided, single submitter. Criteria: ACMG Guidelines, 2015. Collection method: clinical testing. Allele origin: germline.
Comment: This variant is classified as likely benign based on ACMG/AMP sequence variant interpretation guidelines (Richards et al. 2015 PMID: 25741868, with internal and published modifications).

NM_001387430.1(SH2B1):c.1074A>G (p.Thr358=)

Gene: SH2B1 (SH2B adaptor protein 1; plus strand). Cytogenetic location: 16p11.2.
Variant type: single nucleotide variant.
Coding change: c.1074A>G on transcript NM_001387430.1 (MANE Select); coding-DNA position 1074, A replaced by G.
Protein change: p.Thr358=; no amino-acid change (threonine 358 retained).
Molecular consequence: synonymous variant.
Genome position (GRCh38, 1-based): chr16:28,869,038, A>G. VCF-style: chr16-28869038-A-G. GRCh37 (hg19) VCF-style: chr16-28880359-A-G.
Other names: c.1074A>G, p.Thr358= (NM_001145795.2, NM_001145796.2, NM_001145797.2 and 4 more transcripts); c.66A>G, p.Thr22= (NM_001308294.2).
Identifiers: ClinVar variation 4996885 (VCV004996885.1).